The following is an entry in ClinVar:

ClinVar aggregate classification (germline): Conflicting classifications of pathogenicity. Review status: criteria provided, conflicting classifications (1 of 4 stars). 2 submissions from 2 submitters: Uncertain significance (1); Likely benign (1). Last evaluated 2025-02-03.

Conditions:
Lynch syndrome 4 (LYNCH4). Also called: Colorectal cancer, hereditary nonpolyposis, type 4; Hereditary non-polyposis colorectal cancer, type 4. Identifiers: Orphanet 144, MedGen C1838333, MONDO:0013699, OMIM 614337. Disease mechanism: loss of function.

Submissions (2):

Myriad Genetics, Inc.
Classification: Likely benign for Lynch syndrome 4. Last evaluated: 2025-02-03. Review status: criteria provided, single submitter. Criteria: Myriad Autosomal Dominant, Autosomal Recessive and X-Linked Classification Criteria (2023). Collection method: clinical testing. Allele origin: unknown.
Comment: This variant is considered likely benign. This variant is intronic and is not expected to impact mRNA splicing.

Quest Diagnostics Nichols Institute San Juan Capistrano
Classification: Uncertain significance. Last evaluated: 2023-06-07. Review status: criteria provided, single submitter. Criteria: Quest Diagnostics criteria. Collection method: clinical testing. Allele origin: unknown.
Comment: To the best of our knowledge, this variant has not been reported in the published literature. It also has not been reported in large, multi-ethnic general populations (Genome Aggregation Database). Analysis of this variant using software algorithms for the prediction of the effect of nucleotide changes on splicing yielded predictions that this variant does not affect PMS2 mRNA splicing . Based on the available information, we are unable to determine the clinical significance of this variant.

NM_000535.7(PMS2):c.2275+9_2275+11delinsGAACTTACC

Gene: PMS2 (PMS1 homolog 2, mismatch repair system component; minus strand). Cytogenetic location: 7p22.1.
Variant type: Indel.
Coding change: c.2275+9_2275+11delinsGAACTTACC on transcript NM_000535.7 (MANE Select); bases 9 to 11 of the intron after coding-DNA position 2275, TTA replaced by GAACTTACC.
Molecular consequence: intron variant.
Genome position (GRCh38, 1-based): chr7:5,978,585-5,978,587, TAA replaced by GGTAAGTTC on the plus strand (TTA replaced by GAACTTACC on the coding strand, the reverse complement: PMS2 is on the minus strand). VCF-style: chr7-5978585-TAA-GGTAAGTTC. GRCh37 (hg19) VCF-style: chr7-6018216-TAA-GGTAAGTTC.
Other names: c.1909+9_1909+11delinsGAACTTACC (NM_001406886.1); c.1951+9_1951+11delinsGAACTTACC (NM_001406884.1); c.2107+9_2107+11delinsGAACTTACC (NM_001406874.1, NM_001406872.1); c.1342+9_1342+11delinsGAACTTACC (NM_001322011.2, NM_001322012.2); c.2167+9_2167+11delinsGAACTTACC (NM_001406869.1); c.2077+9_2077+11delinsGAACTTACC (NM_001406873.1); c.1072+9_1072+11delinsGAACTTACC (NM_001406912.1); c.2119+9_2119+11delinsGAACTTACC (NM_001322006.2, NM_001406870.1); and 16 more.
Identifiers: ClinVar variation 2682044 (VCV002682044.2), dbSNP rs2535384224, ClinGen allele CA2697553821.